The following is an entry in ClinVar:

ClinVar aggregate classification (germline): Likely benign (1 of 4 stars; one submission).

gnomAD v4.1: 114 of 1,202,225 alleles (0.0095%); highest among the groups gnomAD compares: Admixed American, 0.24%; no homozygotes.

Submission:

CeGaT Center for Human Genetics Tuebingen
Classification: Likely benign. Last evaluated: 2025-04-01. Review status: criteria provided, single submitter. Criteria: CeGaT Center For Human Genetics Tuebingen Variant Classification Criteria Version 2. Collection method: clinical testing. Allele origin: germline. Affected: yes. Observed: 1 variant allele.
Comment: GPR34: BP4, BS2

NM_001097579.2(GPR34):c.571A>G (p.Ile191Val)

Genes: CASK (calcium/calmodulin dependent serine protein kinase; minus strand), GPR34 (G protein-coupled receptor 34; plus strand). Cytogenetic location: Xp11.4.
Variant type: single nucleotide variant.
Coding change: c.571A>G on transcript NM_001097579.2 (MANE Select); coding-DNA position 571, A replaced by G.
Protein change: p.Ile191Val; replaces isoleucine 191 with valine.
Molecular consequence: missense variant. On other transcripts: intron variant (5).
Genome position (GRCh38, 1-based): chrX:41,696,204, A>G. VCF-style: chrX-41696204-A-G. GRCh37 (hg19) VCF-style: chrX-41555457-A-G.
Other names: c.571A>G, p.Ile191Val (NM_005300.4); c.430-24674T>C (NM_001126055.3, NM_001410745.1, NM_001126054.3 and 2 more transcripts); short protein forms I191V.
Identifiers: ClinVar variation 3898455 (VCV003898455.7).